The following is an entry in ClinVar:

ClinVar aggregate classification (germline): Pathogenic (1 of 4 stars; one submission).

Conditions:
Pigmentary pallidal degeneration (NBIA1). Also called: Pantothenate Kinase-Associated Neurodegeneration; Neurodegeneration with brain iron accumulation 1; Neuroaxonal dystrophy, late infantile; Hallervorden-Spatz disease; PKAN NEUROAXONAL DYSTROPHY, JUVENILE-ONSET; HARP SYNDROME. Identifiers: Orphanet 157850, MedGen C0018523, MONDO:0009319, OMIM 234200.

Submission:

Labcorp Genetics (formerly Invitae), Labcorp
Classification: Pathogenic for Pigmentary pallidal degeneration. Last evaluated: 2022-12-05. Review status: criteria provided, single submitter. Criteria: Invitae Variant Classification Sherloc (09022015). Collection method: clinical testing. Allele origin: germline.
Comment: This missense change has been observed in individual(s) with PANK2-related conditions (Invitae). In at least one individual the data is consistent with being in trans (on the opposite chromosome) from a pathogenic variant. For these reasons, this variant has been classified as Pathogenic. This variant disrupts the p.Leu563 amino acid residue in PANK2. Other variant(s) that disrupt this residue have been observed in individuals with PANK2-related conditions (PMID: 28881514, 33853092; Invitae), which suggests that this may be a clinically significant amino acid residue. Advanced modeling of protein sequence and biophysical properties (such as structural, functional, and spatial information, amino acid conservation, physicochemical variation, residue mobility, and thermodynamic stability) performed at Invitae indicates that this missense variant is expected to disrupt PANK2 protein function. This variant is not present in population databases (gnomAD no frequency). This sequence change replaces leucine, which is neutral and non-polar, with histidine, which is basic and polar, at codon 563 of the PANK2 protein (p.Leu563His).

Literature cited by the submitters: PubMed 28881514; PubMed 33853092.

NM_001386393.1(PANK2):c.1358T>A (p.Leu453His)

Gene: PANK2 (pantothenate kinase 2; plus strand). Cytogenetic location: 20p13.
Variant type: single nucleotide variant.
Coding change: c.1358T>A on transcript NM_001386393.1 (MANE Select); coding-DNA position 1358, T replaced by A.
Protein change: p.Leu453His; replaces leucine 453 with histidine.
Molecular consequence: missense variant. On other transcripts: non-coding transcript variant (1).
Genome position (GRCh38, 1-based): chr20:3,923,269, T>A. VCF-style: chr20-3923269-T-A. GRCh37 (hg19) VCF-style: chr20-3903916-T-A.
Other names: c.815T>A, p.Leu272His (NM_001324191.2, NM_024960.6, NM_153640.4); c.380T>A, p.Leu127His (NM_001324193.2); c.1688T>A, p.Leu563His (NM_153638.4); short protein forms L127H, L272H, L563H, L453H.
Identifiers: ClinVar variation 2869524 (VCV002869524.3), dbSNP rs1324077575, ClinGen allele CA408122816.